The following is an entry in ClinVar:

ClinVar aggregate classification (germline): Uncertain significance (1 of 4 stars; one submission).

gnomAD v4.1: 3 of 1,614,156 alleles (0.00019%); highest among the groups gnomAD compares: South Asian, 0.0022%; no homozygotes.

Submission:

Ambry Genetics
Classification: Uncertain significance. Last evaluated: 2024-10-04. Review status: criteria provided, single submitter. Criteria: Ambry Variant Classification Scheme 2023. Collection method: clinical testing. Allele origin: germline.
Comment: The p.D944G variant (also known as c.2831A>G), located in coding exon 1 of the MLH3 gene, results from an A to G substitution at nucleotide position 2831. The aspartic acid at codon 944 is replaced by glycine, an amino acid with similar properties. This amino acid position is conserved. In addition, this alteration is predicted to be tolerated by in silico analysis. Based on the available evidence, the clinical significance of this variant remains unclear.

NM_001040108.2(MLH3):c.2831A>G (p.Asp944Gly)

Gene: MLH3 (mutL homolog 3; minus strand). Cytogenetic location: 14q24.3.
Variant type: single nucleotide variant.
Coding change: c.2831A>G on transcript NM_001040108.2 (MANE Select); coding-DNA position 2831, A replaced by G.
Protein change: p.Asp944Gly; replaces aspartic acid 944 with glycine.
Molecular consequence: missense variant.
Genome position (GRCh38, 1-based): chr14:75,046,825, T>C on the plus strand (A>G on the coding strand, the complement: MLH3 is on the minus strand). VCF-style: chr14-75046825-T-C. GRCh37 (hg19) VCF-style: chr14-75513528-T-C.
Other names: c.2831A>G, p.Asp944Gly (NM_014381.3); short protein forms D944G.
Identifiers: ClinVar variation 3396738 (VCV003396738.1).